The following is an entry in ClinVar:

ClinVar aggregate classification (germline): Uncertain significance. Review status: criteria provided, multiple submitters, no conflicts (2 of 4 stars). 2 submissions from 2 submitters: Uncertain significance (2). Last evaluated 2026-04-14.

Conditions:
Familial intrahepatic cholestasis. Identifiers: Orphanet 284385, MedGen CN296401, MONDO:0017290.
ABCB11-related disorder. Also called: ABCB11-related condition.

gnomAD v4.1: 13 of 1,611,912 alleles (0.00081%); highest among the groups gnomAD compares: East Asian, 0.0067%; no homozygotes.

Submissions (2):

Genomenon, Inc
Classification: Uncertain significance for Familial intrahepatic cholestasis. Last evaluated: 2026-04-14. Review status: criteria provided, single submitter. Criteria: Genomenon Sequence Variant Interpretation Standards - Updated. Collection method: curation. Allele origin: germline. Affected: yes.
Comment: ABCB11 p.Glu449Lys (c.1345G>A) is a missense variant that changes the amino acid at residue 449 from Glutamic acid to Lysine. This variant has been reported in at least one individual with features of an ABCB11-related disorder (PMID:32646411). It is absent or not present at a significant frequency in gnomAD. In silico models predict that this variant is possibly or probably damaging. In conclusion, we classify ABCB11 p.Glu449Lys (c.1345G>A) as a variant of uncertain significance.

PreventionGenetics, part of Exact Sciences
Classification: Uncertain significance for ABCB11-related condition. Last evaluated: 2025-11-01. Review status: criteria provided, single submitter. Criteria: ACMG Guidelines, 2015. Collection method: clinical testing. Allele origin: germline.
Comment: The ABCB11 c.1345G>A variant is predicted to result in the amino acid substitution p.Glu449Lys. To our knowledge, this variant has not been reported in the literature. This variant is reported in 0.011% of alleles in individuals of East Asian descent in gnomAD. At this time, the clinical significance of this variant is uncertain due to the absence of conclusive functional and genetic evidence.

Literature cited by the submitters: PubMed 32646411 (cited by Genomenon, Inc).

NM_003742.4(ABCB11):c.1345G>A (p.Glu449Lys)

Gene: ABCB11 (ATP binding cassette subfamily B member 11; minus strand). Cytogenetic location: 2q31.1.
Variant type: single nucleotide variant.
Coding change: c.1345G>A on transcript NM_003742.4 (MANE Select); coding-DNA position 1345, G replaced by A.
Protein change: p.Glu449Lys; replaces glutamic acid 449 with lysine.
Molecular consequence: missense variant.
Genome position (GRCh38, 1-based): chr2:168,973,804, C>T on the plus strand (G>A on the coding strand, the complement: ABCB11 is on the minus strand). VCF-style: chr2-168973804-C-T. GRCh37 (hg19) VCF-style: chr2-169830314-C-T.
Other names: c.1345G>A (NM_003742.2); short protein forms E449K.
Identifiers: ClinVar variation 4845986 (VCV004845986.2).
Genomic context (GRCh38, chr2:168,973,804, plus strand): 5'-GAATGAGTTGCAGTGCTGTACTTTTTCCAGCTCCACTGGGTCCTACCAGAGCTGTCATTT[C>T]CCCTGGTTTAATGACCATGTTGAGGTCATTTAGAATCTGGAGAAGAAAGAAAACAGCAAA-3'
Protein context (NP_003733.2, residues 439-459): NDLNMVIKPG[Glu449Lys]MTALVGPSGA